The following is an entry in ClinVar:

ClinVar aggregate classification (germline): Uncertain significance. Review status: criteria provided, multiple submitters, no conflicts (2 of 4 stars). 2 submissions from 2 submitters: Uncertain significance (2). Last evaluated 2024-09-16.

Conditions:
Amyotrophic lateral sclerosis (ALS). Also called: Charcot disease; Lou Gehrig disease. Identifiers: Orphanet 803, MedGen C0002736, MONDO:0004976, HP:0007354.
Amyotrophic lateral sclerosis type 21. Also called: VOCAL CORD AND PHARYNGEAL DYSFUNCTION WITH DISTAL MYOPATHY; MYOPATHY, DISTAL, 2. Identifiers: Orphanet 600, Orphanet 803, MedGen C3807521, MONDO:0011632, OMIM 606070.

Allele frequency attached by ClinVar (database versions not stated): gnomAD 0.00001; gnomAD exomes 0.00001; ExAC 0.00002; TOPMed 0.00002.
gnomAD v4.1: 16 of 1,614,112 alleles (0.00099%); highest among the groups gnomAD compares: Admixed American, 0.0017%; no homozygotes.

Submissions (2):

Labcorp Genetics (formerly Invitae), Labcorp
Classification: Uncertain significance for Amyotrophic lateral sclerosis type 21. Last evaluated: 2024-09-16. Review status: criteria provided, single submitter. Criteria: Invitae Variant Classification Sherloc (09022015). Collection method: clinical testing. Allele origin: germline.
Comment: This sequence change replaces threonine, which is neutral and polar, with alanine, which is neutral and non-polar, at codon 679 of the MATR3 protein (p.Thr679Ala). This variant is present in population databases (rs758915987, gnomAD 0.002%). This variant has not been reported in the literature in individuals affected with MATR3-related conditions. Invitae Evidence Modeling of protein sequence and biophysical properties (such as structural, functional, and spatial information, amino acid conservation, physicochemical variation, residue mobility, and thermodynamic stability) indicates that this missense variant is not expected to disrupt MATR3 protein function with a negative predictive value of 80%. In summary, the available evidence is currently insufficient to determine the role of this variant in disease. Therefore, it has been classified as a Variant of Uncertain Significance.

Molecular Genetics, Royal Melbourne Hospital
Classification: Uncertain significance for Amyotrophic lateral sclerosis. Last evaluated: 2023-04-11. Review status: criteria provided, single submitter. Criteria: ACMG Guidelines, 2015. Collection method: clinical testing. Allele origin: germline. Affected: yes.
Comment: This sequence change in MATR3 is predicted to replace threonine with alanine at codon 679, p.(Thr679Ala). The threonine residue is moderately conserved (62/80 vertebrates, UCSC), and is a predicted phosphothreonine residue. There is a small physicochemical difference between threonine and alanine. The highest population minor allele frequency in the population database gnomAD v2.1 is 0.002% (2/113,718 alleles) in the European (non-Finnish) population, which is consistent with an adult-onset neurodegenerative condition. To our knowledge, this variant has not been reported in the literature in any individuals. Multiple lines of computational evidence predict a benign effect for the missense substitution (6/6 algorithms). Based on the classification scheme RMH Modified ACMG Guidelines v1.5.1, this variant is classified as a VARIANT OF UNCERTAIN SIGNIFICANCE. Following criteria are met: PM2_Supporting, BP4.

NM_018834.6(MATR3):c.2035A>G (p.Thr679Ala)

Genes: MATR3 (matrin 3; plus strand), LOC126807526 (CDK7 strongly-dependent group 2 enhancer GRCh37_chr5:138657767-138658966; plus strand). Cytogenetic location: 5q31.2.
Variant type: single nucleotide variant.
Coding change: c.2035A>G on transcript NM_018834.6 (MANE Select); coding-DNA position 2035, A replaced by G.
Protein change: p.Thr679Ala; replaces threonine 679 with alanine.
Molecular consequence: missense variant.
Genome position (GRCh38, 1-based): chr5:139,322,854, A>G. VCF-style: chr5-139322854-A-G. GRCh37 (hg19) VCF-style: chr5-138658543-A-G.
Other names: c.2035A>G, p.Thr679Ala (NM_001194954.2, NM_001194955.2, NM_001400441.1 and 16 more transcripts); c.1171A>G, p.Thr391Ala (NM_001194956.2); c.1021A>G, p.Thr341Ala (NM_001282278.2, NM_001400463.1, NM_001400464.1 and 5 more transcripts); c.1174A>G, p.Thr392Ala (NM_001400459.1); c.1135A>G, p.Thr379Ala (NM_001400461.1); short protein forms T341A, T392A, T679A, T391A, T379A.
Identifiers: ClinVar variation 3013472 (VCV003013472.4), dbSNP rs758915987, ClinGen allele CA3433290.
Genomic context (GRCh38, chr5:139,322,854, plus strand): 5'-CTTGTAGATGAAGAAGAAGCAGCAGCACTGCTAGAAAGTGGCAGTTCAGTGGGAGACGAG[A>G]CCGATCTTGCTAATTTAGGTGATGTGGCTTCTGATGGGAAAAAGGAACCATCAGATAAAG-3'
Protein context (NP_061322.2, residues 669-689): LESGSSVGDE[Thr679Ala]DLANLGDVAS